The following is an entry in ClinVar:

NM_004333.6(BRAF):c.980+4T>C

Gene: BRAF (B-Raf proto-oncogene, serine/threonine kinase; minus strand). Cytogenetic location: 7q34.
Variant type: single nucleotide variant.
Coding change: c.980+4T>C on transcript NM_004333.6 (MANE Select); 4 bases into the intron after coding-DNA position 980, T replaced by C.
Molecular consequence: intron variant.
Genome position (GRCh38, 1-based): chr7:140,800,358, A>G on the plus strand (T>C on the coding strand, the complement: BRAF is on the minus strand). VCF-style: chr7-140800358-A-G. GRCh37 (hg19) VCF-style: chr7-140500158-A-G.
Other names: c.980+4T>C (NM_001378474.1, NM_001378471.1, NM_001378468.1 and 4 more transcripts); c.878+4T>C (NM_001378470.1); c.716+4T>C (NM_001378475.1); c.989+4T>C (NM_001378467.1); c.824+4T>C (NM_001378472.1, NM_001378473.1).
Identifiers: ClinVar variation 2895386 (VCV002895386.6), dbSNP rs1293207323, ClinGen allele CA578392353.
Genomic context (GRCh38, chr7:140,800,358, plus strand): 5'-CCAGGAGATCCAAAAGAAAGCGGTTCAAGTAGCATGTCGCCCAAGAGCAGAAGTCAAACC[A>G]TACCCAATAGAGTCCGAGGCGGGTGCGGAAGGGGATGATCCAGATGTTAGGGCAGTCTCT-3'

ClinVar aggregate classification (germline): Conflicting classifications of pathogenicity. Review status: criteria provided, conflicting classifications (1 of 4 stars). 3 submissions from 3 submitters: Uncertain significance (2); Likely benign (1). Last evaluated 2024-03-04.

Conditions:
RASopathy. Also called: Noonan spectrum disorder; rasopathies. Identifiers: Orphanet 536391, MedGen C5555857, MONDO:0021060.

Allele frequency attached by ClinVar (database versions not stated): gnomAD exomes below 0.00001.
gnomAD v4.1: 5 of 1,614,128 alleles (0.00031%); highest among the groups gnomAD compares: South Asian, 0.0044%; no homozygotes.

Submissions (3):

Women's Health and Genetics/Laboratory Corporation of America, LabCorp
Classification: Uncertain significance. Last evaluated: 2024-03-04. Review status: criteria provided, single submitter. Criteria: LabCorp Variant Classification Summary - May 2015. Collection method: clinical testing. Allele origin: germline.
Comment: Variant summary: BRAF c.980+4T>C alters a non-conserved nucleotide located close to a canonical splice site and therefore could affect mRNA splicing, leading to a significantly altered protein sequence. Consensus agreement among computation tools predict no significant impact on normal splicing. However, these predictions have yet to be confirmed by functional studies. The variant allele was found at a frequency of 8e-06 in 251460 control chromosomes (gnomAD). The available data on variant occurrences in the general population are insufficient to allow any conclusion about variant significance. To our knowledge, no occurrence of c.980+4T>C in individuals affected with Cardiofaciocutaneous Syndrome or other BRAF-related disorders and no experimental evidence demonstrating its impact on protein function have been reported. ClinVar contains an entry for this variant (Variation ID: 2895386). Based on the evidence outlined above, the variant was classified as uncertain significance.

Blueprint Genetics
Classification: Likely benign. Last evaluated: 2024-01-02. Review status: criteria provided, single submitter. Criteria: ACMG Guidelines, 2015. Collection method: clinical testing. Allele origin: germline.

Labcorp Genetics (formerly Invitae), Labcorp
Classification: Uncertain significance for RASopathy. Last evaluated: 2023-12-20. Review status: criteria provided, single submitter. Criteria: Invitae Variant Classification Sherloc (09022015). Collection method: clinical testing. Allele origin: germline.
Comment: This sequence change falls in intron 7 of the BRAF gene. It does not directly change the encoded amino acid sequence of the BRAF protein. It affects a nucleotide within the consensus splice site. This variant is present in population databases (no rsID available, gnomAD 0.006%). This variant has not been reported in the literature in individuals affected with BRAF-related conditions. Variants that disrupt the consensus splice site are a relatively common cause of aberrant splicing (PMID: 17576681, 9536098). Algorithms developed to predict the effect of sequence changes on RNA splicing suggest that this variant is not likely to affect RNA splicing. In summary, the available evidence is currently insufficient to determine the role of this variant in disease. Therefore, it has been classified as a Variant of Uncertain Significance.

Literature cited by the submitters: PubMed 17576681 (cited by Labcorp Genetics (formerly Invitae), Labcorp); PubMed 9536098 (cited by Labcorp Genetics (formerly Invitae), Labcorp).